The following is an entry in ClinVar:

NM_000303.3(PMM2):c.445A>G (p.Lys149Glu)

Gene: PMM2 (phosphomannomutase 2; plus strand). Cytogenetic location: 16p13.2.
Variant type: single nucleotide variant.
Coding change: c.445A>G on transcript NM_000303.3 (MANE Select); coding-DNA position 445, A replaced by G.
Protein change: p.Lys149Glu; replaces lysine 149 with glutamic acid.
Molecular consequence: missense variant.
Genome position (GRCh38, 1-based): chr16:8,811,176, A>G. VCF-style: chr16-8811176-A-G. GRCh37 (hg19) VCF-style: chr16-8905033-A-G.
Other names: short protein forms K149E.
Identifiers: ClinVar variation 1702671 (VCV001702671.3), dbSNP rs141808258, ClinGen allele CA7894060.

ClinVar aggregate classification (germline): Uncertain significance. Review status: criteria provided, multiple submitters, no conflicts (2 of 4 stars). 2 submissions from 2 submitters: Uncertain significance (2). Last evaluated 2025-07-02.

Conditions:
Inborn genetic diseases. Identifiers: MedGen C0950123, MeSH D030342.

Allele frequency attached by ClinVar (database versions not stated): gnomAD exomes below 0.00001; ExAC 0.00003; gnomAD 0.00003; TOPMed 0.00003; ESP Exome Variant Server 0.00008; 1000 Genomes Project 30x 0.00016; 1000 Genomes Project 0.00020.
gnomAD v4.1: 10 of 1,541,178 alleles (0.00065%); highest among the groups gnomAD compares: African/African-American, 0.014%; no homozygotes.

Submissions (2):

Ambry Genetics
Classification: Uncertain significance for Inborn genetic diseases. Last evaluated: 2025-07-02. Review status: criteria provided, single submitter. Criteria: Ambry Variant Classification Scheme 2023. Collection method: clinical testing. Allele origin: germline.

GeneDx
Classification: Uncertain significance. Last evaluated: 2022-08-20. Review status: criteria provided, single submitter. Criteria: GeneDx Variant Classification Process June 2021. Collection method: clinical testing. Allele origin: germline. Affected: yes.
Comment: Not observed at a significant frequency in large population cohorts (gnomAD); In silico analysis supports that this missense variant has a deleterious effect on protein structure/function; Has not been previously published as pathogenic or benign to our knowledge